The following is an entry in ClinVar:

ClinVar aggregate classification (germline): Likely benign (1 of 4 stars; one submission).

Conditions:
SLC4A1-related disorder. Also called: SLC4A1-related condition; SLC4A1-related disorders.

Submission:

PreventionGenetics, part of Exact Sciences
Classification: Likely benign for SLC4A1-related condition. Last evaluated: 2025-07-08. Review status: criteria provided, single submitter. Criteria: ACMG Guidelines, 2015. Collection method: clinical testing. Allele origin: germline.
Comment: This variant is classified as likely benign based on ACMG/AMP sequence variant interpretation guidelines (Richards et al. 2015 PMID: 25741868, with internal and published modifications).

NM_000342.4(SLC4A1):c.540C>G (p.Arg180=)

Gene: SLC4A1 (solute carrier family 4 member 1 (Diego blood group); minus strand). Cytogenetic location: 17q21.31.
Variant type: single nucleotide variant.
Coding change: c.540C>G on transcript NM_000342.4 (MANE Select); coding-DNA position 540, C replaced by G.
Protein change: p.Arg180=; no amino-acid change (arginine 180 retained).
Molecular consequence: synonymous variant.
Genome position (GRCh38, 1-based): chr17:44,259,878, G>C on the plus strand (C>G on the coding strand, the complement: SLC4A1 is on the minus strand). VCF-style: chr17-44259878-G-C. GRCh37 (hg19) VCF-style: chr17-42337246-G-C.
Identifiers: ClinVar variation 4996852 (VCV004996852.1).